The following is an entry in ClinVar:

NM_001429.4(EP300):c.6712A>G (p.Asn2238Asp)

Gene: EP300 (EP300 lysine acetyltransferase; plus strand). Cytogenetic location: 22q13.2.
Variant type: single nucleotide variant.
Coding change: c.6712A>G on transcript NM_001429.4 (MANE Select); coding-DNA position 6712, A replaced by G.
Protein change: p.Asn2238Asp; replaces asparagine 2238 with aspartic acid.
Molecular consequence: missense variant.
Genome position (GRCh38, 1-based): chr22:41,178,423, A>G. VCF-style: chr22-41178423-A-G. GRCh37 (hg19) VCF-style: chr22-41574427-A-G.
Other names: c.6634A>G, p.Asn2212Asp (NM_001362843.2); short protein forms N2212D, N2238D.
Identifiers: ClinVar variation 1958859 (VCV001958859.7), dbSNP rs759095488, ClinGen allele CA10253936.
Genomic context (GRCh38, chr22:41,178,423, plus strand): 5'-GGCTACCCACCACAGCAGCAGCAGCGGATGCAGCATCACATGCAACAGATGCAACAAGGA[A>G]ATATGGGACAGATAGGCCAGCTTCCCCAGGCCTTGGGAGCAGAGGCAGGTGCCAGTCTAC-3'
Protein context (NP_001420.2, residues 2228-2248): QHHMQQMQQG[Asn2238Asp]MGQIGQLPQA

ClinVar aggregate classification (germline): Conflicting classifications of pathogenicity. Review status: criteria provided, conflicting classifications (1 of 4 stars). 3 submissions from 3 submitters: Uncertain significance (2); Likely benign (1). Last evaluated 2025-11-05.

Conditions:
Inborn genetic diseases. Identifiers: MedGen C0950123, MeSH D030342.
EP300-related disorder. Also called: EP300-related disorders; EP300-related condition.
Rubinstein-Taybi syndrome due to EP300 haploinsufficiency. Also called: EP300-Related Rubinstein-Taybi Syndrome; RUBINSTEIN-TAYBI SYNDROME 2. Identifiers: Orphanet 353284, Orphanet 783, MedGen C3150941, MONDO:0013364, OMIM 613684.

Allele frequency attached by ClinVar (database versions not stated): ExAC 0.00001; gnomAD 0.00001; gnomAD exomes 0.00001; TOPMed 0.00002.
gnomAD v4.1: 17 of 1,614,012 alleles (0.0011%); highest among the groups gnomAD compares: Admixed American, 0.0017%; no homozygotes.

Submissions (3):

PreventionGenetics, part of Exact Sciences
Classification: Uncertain significance for EP300-related condition. Last evaluated: 2025-11-05. Review status: criteria provided, single submitter. Criteria: ACMG Guidelines, 2015. Collection method: clinical testing. Allele origin: germline.
Comment: The EP300 c.6712A>G variant is predicted to result in the amino acid substitution p.Asn2238Asp. To our knowledge, this variant has not been reported in the literature. This variant is reported in 0.00088% of alleles in individuals of European (Non-Finnish) descent in gnomAD. At this time, the clinical significance of this variant is uncertain due to the absence of conclusive functional and genetic evidence.

Labcorp Genetics (formerly Invitae), Labcorp
Classification: Likely benign for Rubinstein-Taybi syndrome due to EP300 haploinsufficiency. Last evaluated: 2022-07-21. Review status: criteria provided, single submitter. Criteria: Invitae Variant Classification Sherloc (09022015). Collection method: clinical testing. Allele origin: germline.

Ambry Genetics
Classification: Uncertain significance for Inborn genetic diseases. Last evaluated: 2022-04-01. Review status: criteria provided, single submitter. Criteria: Ambry Variant Classification Scheme 2023. Collection method: clinical testing. Allele origin: germline.